The following is an entry in ClinVar:

ClinVar aggregate classification (germline): Uncertain significance (1 of 4 stars; one submission).

Conditions:
Charcot-Marie-Tooth Neuropathy X. Identifiers: MedGen CN118851.

Submission:

Labcorp Genetics (formerly Invitae), Labcorp
Classification: Uncertain significance for Charcot-Marie-Tooth Neuropathy X. Last evaluated: 2019-05-30. Review status: criteria provided, single submitter. Criteria: Invitae Variant Classification Sherloc (09022015). Collection method: clinical testing. Allele origin: germline.
Comment: This variant is not present in population databases (ExAC no frequency). This sequence change replaces aspartic acid with glutamic acid at codon 46 of the GJB1 protein (p.Asp46Glu). The aspartic acid residue is highly conserved and there is a small physicochemical difference between aspartic acid and glutamic acid. This variant has not been reported in the literature in individuals with GJB1-related conditions. Algorithms developed to predict the effect of missense changes on protein structure and function are either unavailable or do not agree on the potential impact of this missense change (SIFT: "Deleterious"; PolyPhen-2: "Probably Damaging"; Align-GVGD: "Class C0"). In summary, the available evidence is currently insufficient to determine the role of this variant in disease. Therefore, it has been classified as a Variant of Uncertain Significance.

NM_000166.6(GJB1):c.138T>G (p.Asp46Glu)

Gene: GJB1 (gap junction protein beta 1; plus strand). Cytogenetic location: Xq13.1.
Variant type: single nucleotide variant.
Coding change: c.138T>G on transcript NM_000166.6 (MANE Select); coding-DNA position 138, T replaced by G.
Protein change: p.Asp46Glu; replaces aspartic acid 46 with glutamic acid.
Molecular consequence: missense variant.
Genome position (GRCh38, 1-based): chrX:71,223,845, T>G. VCF-style: chrX-71223845-T-G. GRCh37 (hg19) VCF-style: chrX-70443695-T-G.
Other names: c.138T>G, p.Asp46Glu (NM_001097642.3); short protein forms D46E.
Identifiers: ClinVar variation 952196 (VCV000952196.9), dbSNP rs1419095893, ClinGen allele CA413501086.